The following is an entry in ClinVar:

NM_013247.5(HTRA2):c.506+1G>C

Genes: HTRA2 (HtrA serine peptidase 2; plus strand), LOC129934140 (ATAC-STARR-seq lymphoblastoid active region 16072; plus strand). Cytogenetic location: 2p13.1.
Variant type: single nucleotide variant.
Coding change: c.506+1G>C on transcript NM_013247.5 (MANE Select); the canonical splice donor site of the intron after coding-DNA position 506, G replaced by C.
Molecular consequence: splice donor variant.
Genome position (GRCh38, 1-based): chr2:74,530,513, G>C. VCF-style: chr2-74530513-G-C. GRCh37 (hg19) VCF-style: chr2-74757640-G-C.
Other names: c.506+1G>C (NM_001321727.1, NM_001321728.1, NM_145074.2).
Identifiers: ClinVar variation 4715258 (VCV004715258.1).

ClinVar aggregate classification (germline): Likely pathogenic (1 of 4 stars; one submission).

gnomAD v4.1: 3 of 1,612,662 alleles (0.00019%); highest among the groups gnomAD compares: Non-Finnish European, 0.00017%; no homozygotes.

Submission:

Labcorp Genetics (formerly Invitae), Labcorp
Classification: Likely pathogenic. Last evaluated: 2025-03-17. Review status: criteria provided, single submitter. Criteria: Invitae Variant Classification Sherloc (09022015). Collection method: clinical testing. Allele origin: germline.
Comment: This sequence change affects a donor splice site in intron 1 of the HTRA2 gene. It is expected to disrupt RNA splicing. Variants that disrupt the donor or acceptor splice site typically lead to a loss of protein function (PMID: 16199547), and loss-of-function variants in HTRA2 are known to be pathogenic (PMID: 25531304, 27208207, 27696117). This variant is not present in population databases (gnomAD no frequency). This variant has not been reported in the literature in individuals affected with HTRA2-related conditions. Algorithms developed to predict the effect of sequence changes on RNA splicing suggest that this variant may disrupt the consensus splice site. In summary, the currently available evidence indicates that the variant is pathogenic, but additional data are needed to prove that conclusively. Therefore, this variant has been classified as Likely Pathogenic.

Literature cited by the submitters: PubMed 16199547; PubMed 25531304; PubMed 27208207; PubMed 27696117.